The following is an entry in ClinVar:

ClinVar aggregate classification (germline): Conflicting classifications of pathogenicity. Review status: criteria provided, conflicting classifications (1 of 4 stars). 4 submissions from 4 submitters: Uncertain significance (3); Likely benign (1). Last evaluated 2026-07-17.

Conditions:
Hereditary cancer-predisposing syndrome. Also called: Neoplastic Syndromes, Hereditary; Hereditary Cancer Syndrome; Hereditary neoplastic syndrome; Tumor predisposition. Identifiers: Orphanet 140162, MedGen C0027672, MeSH D009386, MONDO:0015356.
Familial cancer of breast. Also called: hereditary breast carcinoma; BREAST CANCER, FAMILIAL; Hereditary breast cancer. Identifiers: Orphanet 227535, MedGen C0346153, MONDO:0016419, OMIM 114480. Disease mechanism: loss of function.

Allele frequency attached by ClinVar (database versions not stated): gnomAD exomes below 0.00001; TOPMed below 0.00001.

Submissions (4):

Ambry Genetics
Classification: Likely benign for Hereditary cancer-predisposing syndrome. Last evaluated: 2026-07-17. Review status: criteria provided, single submitter. Criteria: Ambry Variant Classification Scheme 2023. Collection method: clinical testing. Allele origin: germline.

Labcorp Genetics (formerly Invitae), Labcorp
Classification: Uncertain significance for Familial cancer of breast. Last evaluated: 2025-03-07. Review status: criteria provided, single submitter. Criteria: Invitae Variant Classification Sherloc (09022015). Collection method: clinical testing. Allele origin: germline.
Comment: This sequence change replaces methionine, which is neutral and non-polar, with isoleucine, which is neutral and non-polar, at codon 1022 of the PALB2 protein (p.Met1022Ile). This variant is present in population databases (no rsID available, gnomAD 0.002%). This variant has not been reported in the literature in individuals affected with PALB2-related conditions. ClinVar contains an entry for this variant (Variation ID: 633345). Invitae Evidence Modeling of protein sequence and biophysical properties (such as structural, functional, and spatial information, amino acid conservation, physicochemical variation, residue mobility, and thermodynamic stability) indicates that this missense variant is not expected to disrupt PALB2 protein function with a negative predictive value of 80%. In summary, the available evidence is currently insufficient to determine the role of this variant in disease. Therefore, it has been classified as a Variant of Uncertain Significance.

Baylor Genetics
Classification: Uncertain significance for Familial cancer of breast. Last evaluated: 2023-12-15. Review status: criteria provided, single submitter. Criteria: ACMG Guidelines, 2015. Collection method: clinical testing. Allele origin: unknown.

Women's Health and Genetics/Laboratory Corporation of America, LabCorp
Classification: Uncertain significance. Last evaluated: 2018-08-27. Review status: criteria provided, single submitter. Criteria: LabCorp Variant Classification Summary - May 2015. Collection method: clinical testing. Allele origin: germline.
Comment: Variant summary: PALB2 c.3066G>A (p.Met1022Ile) results in a conservative amino acid change located in the Partner and localiser of BRCA2, WD40 domain of the encoded protein sequence. Five of five in-silico tools predict a benign effect of the variant on protein function. The variant allele was found at a frequency of 7.2e-06 in 277206 control chromosomes. The available data on variant occurrences in the general population are insufficient to allow any conclusion about variant significance. To our knowledge, no occurrence of c.3066G>A in individuals affected with Hereditary Breast and Ovarian Cancer and no experimental evidence demonstrating its impact on protein function have been reported. No clinical diagnostic laboratories have submitted clinical-significance assessments for this variant to ClinVar after 2014. Based on the evidence outlined above, the variant was classified as uncertain significance.

NM_024675.4(PALB2):c.3066G>A (p.Met1022Ile)

Gene: PALB2 (partner and localizer of BRCA2; minus strand). Cytogenetic location: 16p12.2.
Variant type: single nucleotide variant.
Coding change: c.3066G>A on transcript NM_024675.4 (MANE Select); coding-DNA position 3066, G replaced by A.
Protein change: p.Met1022Ile; replaces methionine 1022 with isoleucine.
Molecular consequence: missense variant.
Genome position (GRCh38, 1-based): chr16:23,621,409, C>T on the plus strand (G>A on the coding strand, the complement: PALB2 is on the minus strand). VCF-style: chr16-23621409-C-T. GRCh37 (hg19) VCF-style: chr16-23632730-C-T.
Other names: short protein forms M1022I.
Identifiers: ClinVar variation 633345 (VCV000633345.16), dbSNP rs1220966608, ClinGen allele CA395142967.